The following is an entry in ClinVar:

NM_016373.4(WWOX):c.864G>A (p.Trp288Ter)

Gene: WWOX (WW domain containing oxidoreductase; plus strand). Cytogenetic location: 16q23.1.
Variant type: single nucleotide variant.
Coding change: c.864G>A on transcript NM_016373.4 (MANE Select); coding-DNA position 864, G replaced by A.
Protein change: p.Trp288Ter; replaces tryptophan 288 with a stop codon.
Molecular consequence: nonsense.
Genome position (GRCh38, 1-based): chr16:78,432,560, G>A. VCF-style: chr16-78432560-G-A. GRCh37 (hg19) VCF-style: chr16-78466457-G-A.
Other names: c.525G>A, p.Trp175Ter (NM_001291997.2); short protein forms W175*, W288*.
Identifiers: ClinVar variation 3366919 (VCV003366919.1).

ClinVar aggregate classification (germline): Pathogenic (1 of 4 stars; one submission).

Conditions:
Developmental and epileptic encephalopathy, 28 (DEE28). Also called: Epileptic encephalopathy, early infantile, 28. Identifiers: Orphanet 442835, MedGen C4015519, MONDO:0014533, OMIM 616211.

Submission:

Kids Research, The Children's Hospital at Westmead
Classification: Pathogenic for Developmental and epileptic encephalopathy, 28. Last evaluated: 2024-09-20. Review status: criteria provided, single submitter. Criteria: ACMG Guidelines, 2015. Collection method: research. Allele origin: germline. Affected: yes.
Comment: PVS1, PM2, PM3